The following is an entry in ClinVar:

ClinVar aggregate classification (germline): Pathogenic (1 of 4 stars; one submission).

Submission:

Labcorp Genetics (formerly Invitae), Labcorp
Classification: Pathogenic. Last evaluated: 2022-12-14. Review status: criteria provided, single submitter. Criteria: Invitae Variant Classification Sherloc (09022015). Collection method: clinical testing. Allele origin: germline.
Comment: For these reasons, this variant has been classified as Pathogenic. This sequence change creates a premature translational stop signal (p.Met1481*) in the CCDC88A gene. It is expected to result in an absent or disrupted protein product. Loss-of-function variants in CCDC88A are known to be pathogenic (PMID: 26917597, 30392057). This variant is not present in population databases (gnomAD no frequency). This variant has not been reported in the literature in individuals affected with CCDC88A-related conditions.

Literature cited by the submitters: PubMed 26917597; PubMed 30392057.

NM_001365480.1(CCDC88A):c.4444del (p.Lys1481_Met1482insTer)

Gene: CCDC88A (coiled-coil and HOOK domain protein 88A; minus strand). Cytogenetic location: 2p16.1.
Variant type: Deletion.
Coding change: c.4444del on transcript NM_001365480.1 (MANE Select); coding-DNA position 4444, one base deleted (A; older notation c.4444delA).
Protein change: p.Lys1481_Met1482insTer.
Molecular consequence: nonsense. On other transcripts: intron variant (1).
Genome position (GRCh38, 1-based): chr2:55,303,096, T deleted on the plus strand (A on the coding strand, the reverse complement: CCDC88A is on the minus strand); the first of 4 consecutive T bases (chr2:55,303,096-55,303,099); deleting any one gives the same sequence. VCF-style (leftmost placement, unchanged base first): chr2-55303095-AT-A. GRCh37 (hg19) VCF-style: chr2-55530231-AT-A.
Other names: c.4441del, p.Lys1480_Met1481insTer (NM_001135597.2, NM_001254943.2); c.4388-1024del (NM_018084.5).
Identifiers: ClinVar variation 3001156 (VCV003001156.3), dbSNP rs1681091117, ClinGen allele CA1252209776.
Genomic context (GRCh38, chr2:55,303,095, plus strand): 5'-AGTTGAAAGAAGCTGAACTGTCATAAAGTCTTACACATGGAACGACGGTAGCAGGCCTTC[AT>A]TTTGTCTTTATCCTTCGGTCTGTTCCTCAAAAAGGGCAGTCTTTTCAGTGCAACCACTTT-3'